The following is an entry in ClinVar:

NM_000219.6(KCNE1):c.96C>A (p.Arg32=)

Gene: KCNE1 (potassium voltage-gated channel subfamily E regulatory subunit 1; minus strand). Cytogenetic location: 21q22.12.
Variant type: single nucleotide variant.
Coding change: c.96C>A on transcript NM_000219.6 (MANE Select); coding-DNA position 96, C replaced by A.
Protein change: p.Arg32=; no amino-acid change (arginine 32 retained).
Molecular consequence: synonymous variant.
Genome position (GRCh38, 1-based): chr21:34,449,539, G>T on the plus strand (C>A on the coding strand, the complement: KCNE1 is on the minus strand). VCF-style: chr21-34449539-G-T. GRCh37 (hg19) VCF-style: chr21-35821837-G-T.
Other names: c.96C>A, p.Arg32= (NM_001127668.4, NM_001127669.4, NM_001127670.4 and 4 more transcripts).
Identifiers: ClinVar variation 3374035 (VCV003374035.2).

Conditions:
Long QT syndrome 5 (LQT5). Identifiers: Orphanet 101016, Orphanet 768, MedGen C1867904, MONDO:0013372, OMIM 613695.

Submission:

Roden Lab, Vanderbilt University Medical Center
No classification provided (evidence only). Condition: Long QT syndrome 5. Review status: no classification provided. Collection method: in vitro. Allele origin: not applicable. Functional consequence: Effect on ion channel function.
ClinVar note: "not provided" was previously submitted as the classification for the variant. However, the classification appeared to be based only on an observation of functional data so it was converted to no classification on 2025-07-30.